The following is an entry in ClinVar:

ClinVar aggregate classification (germline): Benign. Review status: reviewed by expert panel (3 of 4 stars). 7 submissions from 7 submitters: Benign (1). 6 of the submissions do not count toward it. Last evaluated 2019-06-18.

Conditions:
Hereditary breast ovarian cancer syndrome. Also called: Breast and ovarian cancer; Hereditary breast and ovarian cancer; Hereditary breast and ovarian cancer syndrome; Hereditary breast and/or ovarian cancer syndrome; BRCA1- and BRCA2-Associated Hereditary Breast and Ovarian Cancer; Hereditary breast and ovarian cancer syndrome (HBOC). Identifiers: Orphanet 145, MedGen C0677776, MeSH D061325, MONDO:0003582. Disease mechanism: loss of function.
Breast-ovarian cancer, familial, susceptibility to, 1 (BROVCA1). Also called: BRCA1 Hereditary Breast and Ovarian Cancer; OVARIAN CANCER, SUSCEPTIBILITY TO. Identifiers: Orphanet 145, MedGen C2676676, MONDO:0011450, OMIM 604370. Disease mechanism: loss of function.
Hereditary cancer-predisposing syndrome. Also called: Tumor predisposition; Hereditary Cancer Syndrome; Neoplastic Syndromes, Hereditary; Hereditary neoplastic syndrome. Identifiers: Orphanet 140162, MedGen C0027672, MeSH D009386, MONDO:0015356.

Allele frequency attached by ClinVar (database versions not stated): gnomAD exomes below 0.00001.
gnomAD v4.1: 3 of 1,614,204 alleles (0.00019%); highest among the groups gnomAD compares: Non-Finnish European, 0.00017%; no homozygotes.

Submissions (7):

Evidence-based Network for the Interpretation of Germline Mutant Alleles (ENIGMA)
Classification: Benign for Breast-ovarian cancer, familial, susceptibility to, 1. Last evaluated: 2019-06-18. Review status: reviewed by expert panel. Criteria: ENIGMA BRCA1/2 Classification Criteria (2017-06-29). Collection method: curation. Allele origin: germline.
Comment: IARC class based on posterior probability from multifactorial likelihood analysis, thresholds for class as per Plon et al. 2008 (PMID: 18951446). Class 1 based on posterior probability = 6.12E-06

Labcorp Genetics (formerly Invitae), Labcorp
Classification: Likely benign for Hereditary breast ovarian cancer syndrome. Last evaluated: 2025-05-04. Review status: criteria provided, single submitter. Criteria: Invitae Variant Classification Sherloc (09022015). Collection method: clinical testing. Allele origin: germline. Not counted in ClinVar's aggregate classification.

Ambry Genetics
Classification: Uncertain significance for Hereditary cancer-predisposing syndrome. Last evaluated: 2023-12-07. Review status: criteria provided, single submitter. Criteria: Ambry Variant Classification Scheme 2023. Collection method: clinical testing. Allele origin: germline. Not counted in ClinVar's aggregate classification.
Comment: The p.S387T variant (also known as c.1159T>A), located in coding exon 9 of the BRCA1 gene, results from a T to A substitution at nucleotide position 1159. The serine at codon 387 is replaced by threonine, an amino acid with similar properties. In one study of 83 families with suspected hereditary breast and/or ovarian cancer syndrome, this variant was reported in two relatives with ovarian cancer from an ovarian cancer only family (Muller D et al. Fam. Cancer, 2004;3:15-20). This amino acid position is well conserved in available vertebrate species. In addition, this alteration is predicted to be deleterious by in silico analysis. Since supporting evidence is limited at this time, the clinical significance of this alteration remains unclear.

All of Us Research Program, National Institutes of Health
Classification: Uncertain significance for Breast-ovarian cancer, familial, susceptibility to, 1. Last evaluated: 2023-09-17. Review status: criteria provided, single submitter. Criteria: ACMG Guidelines, 2015. Collection method: clinical testing. Allele origin: germline. Inheritance: Autosomal dominant inheritance. Observed: 2 variant alleles, 2 heterozygotes. Not counted in ClinVar's aggregate classification.
Comment: This missense variant replaces serine with threonine at codon 387 of the BRCA1 protein. Computational prediction suggests that this variant may have deleterious impact on protein structure and function (internally defined REVEL score threshold >= 0.7, PMID: 27666373). To our knowledge, functional studies have not been reported for this variant. This variant has been reported in a family affected with ovarian cancer (PMID: 15131401). However, a multifactorial analysis reported a likelihood ratio for pathogenicity based on segregation of 0.0003 (PMID: 31131967). This variant has not been identified in the general population by the Genome Aggregation Database (gnomAD). The available evidence is insufficient to determine the role of this variant in disease conclusively. Therefore, this variant is classified as a Variant of Uncertain Significance.

This study involves interpretation of variants in research participants for the purpose of population health screening. Participant phenotype was not available at the time of variant classification. Additional details can be found in publication PMID: 35346344, PMCID: PMC8962531

Color Diagnostics, LLC DBA Color Health
Classification: Uncertain significance for Hereditary cancer-predisposing syndrome. Last evaluated: 2023-05-03. Review status: criteria provided, single submitter. Criteria: ACMG Guidelines, 2015. Collection method: clinical testing. Allele origin: germline. Not counted in ClinVar's aggregate classification.
Comment: This missense variant replaces serine with threonine at codon 387 of the BRCA1 protein. Computational prediction suggests that this variant may have deleterious impact on protein structure and function (internally defined REVEL score threshold >= 0.7, PMID: 27666373). To our knowledge, functional studies have not been reported for this variant. This variant has been reported in a family affected with ovarian cancer (PMID: 15131401). However, a multifactorial analysis reported a likelihood ratio for pathogenicity based on segregation of 0.0003 (PMID: 31131967). This variant has not been identified in the general population by the Genome Aggregation Database (gnomAD). The available evidence is insufficient to determine the role of this variant in disease conclusively. Therefore, this variant is classified as a Variant of Uncertain Significance.

GeneDx
Classification: Uncertain significance. Last evaluated: 2022-12-28. Review status: criteria provided, single submitter. Criteria: GeneDx Variant Classification Process June 2021. Collection method: clinical testing. Allele origin: germline. Affected: yes. Not counted in ClinVar's aggregate classification.
Comment: Observed in an individual with personal and family history of ovarian cancer (Muller et al., 2004); In silico analysis supports that this missense variant has a deleterious effect on protein structure/function; Not observed at significant frequency in large population cohorts (gnomAD); Also known as 1278T>A; This variant is associated with the following publications: (PMID: 31131967, 20215511, 11521194, 10426999, 9582019, 9926942, 15343273, 18273839, 15131401)

Quest Diagnostics Nichols Institute San Juan Capistrano
Classification: Uncertain significance. Last evaluated: 2017-05-09. Review status: criteria provided, single submitter. Criteria: Quest Diagnostics criteria. Collection method: clinical testing. Allele origin: germline. Not counted in ClinVar's aggregate classification.

Literature cited by the submitters: PubMed 31131967 (cited by 3 submitters); PubMed 15131401 (cited by 4 submitters); PubMed 18273839 (cited by Quest Diagnostics Nichols Institute San Juan Capistrano).

NM_007294.4(BRCA1):c.1159T>A (p.Ser387Thr)

Gene: BRCA1 (BRCA1 DNA repair associated; minus strand). Cytogenetic location: 17q21.31.
Variant type: single nucleotide variant.
Coding change: c.1159T>A on transcript NM_007294.4 (MANE Select); coding-DNA position 1159, T replaced by A.
Protein change: p.Ser387Thr; replaces serine 387 with threonine.
Molecular consequence: missense variant. On other transcripts: intron variant (137).
Genome position (GRCh38, 1-based): chr17:43,094,372, A>T on the plus strand (T>A on the coding strand, the complement: BRCA1 is on the minus strand). VCF-style: chr17-43094372-A-T. GRCh37 (hg19) VCF-style: chr17-41246389-A-T.
Other names: c.946T>A, p.Ser316Thr (NM_001407571.1, NM_001407853.1, NM_001407894.1 and 9 more transcripts); c.1159T>A, p.Ser387Thr (NM_001407581.1, NM_001407582.1, NM_001407583.1 and 30 more transcripts); c.1156T>A, p.Ser386Thr (NM_001407587.1, NM_001407590.1, NM_001407591.1 and 22 more transcripts); c.1081T>A, p.Ser361Thr (NM_001407658.1, NM_001407663.1, NM_001407653.1 and 4 more transcripts); c.1078T>A, p.Ser360Thr (NM_001407659.1, NM_001407660.1, NM_001407661.1 and 1 more transcripts); c.1036T>A, p.Ser346Thr (NM_001407664.1, NM_001407665.1, NM_001407666.1 and 19 more transcripts); c.1033T>A, p.Ser345Thr (NM_001407685.1, NM_001407940.1, NM_001407941.1 and 11 more transcripts); c.1018T>A, p.Ser340Thr (NM_001407697.1, NM_001407698.1, NM_001407724.1 and 29 more transcripts); and 40 more; short protein forms S387T, S340T, S219T, S276T, S298T, S345T, S91T, S260T.
Identifiers: ClinVar variation 231852 (VCV000231852.27), dbSNP rs876659403, ClinGen allele CA10580675.